The following is an entry in ClinVar:

ClinVar aggregate classification (germline): Likely pathogenic (1 of 4 stars; one submission).

Conditions:
Dilated cardiomyopathy 1G (CMD1G). Identifiers: Orphanet 154, MedGen C1858763, MONDO:0011400, OMIM 604145.
Autosomal recessive limb-girdle muscular dystrophy type 2J (LGMDR10). Also called: Limb-girdle muscular dystrophy, type 2J; MUSCULAR DYSTROPHY, LIMB-GIRDLE, AUTOSOMAL RECESSIVE 10. Identifiers: Orphanet 140922, MedGen C1837342, MONDO:0012127, OMIM 608807.

Submission:

Labcorp Genetics (formerly Invitae), Labcorp
Classification: Likely pathogenic for Dilated cardiomyopathy 1G; Autosomal recessive limb-girdle muscular dystrophy type 2J. Last evaluated: 2024-10-18. Review status: criteria provided, single submitter. Criteria: Invitae Variant Classification Sherloc (09022015). Collection method: clinical testing. Allele origin: germline.
Comment: This sequence change creates a premature translational stop signal (p.Leu7005*) in the TTN gene. While this is not anticipated to result in nonsense mediated decay, it is expected to create a truncated TTN protein. This variant is not present in population databases (gnomAD no frequency). This variant has not been reported in the literature in individuals affected with TTN-related conditions. ClinVar contains an entry for this variant (Variation ID: 2069443). This variant is located in the I band of TTN (PMID: 25589632). Truncating variants in this region have been reported in individuals affected with autosomal recessive centronuclear myopathy (PMID: 23975875, internal data). Truncating variants in this region have also been identified in individuals affected with autosomal dominant dilated cardiomyopathy and/or cardio-related conditions (PMID: 27869827, 32964742, internal data). In summary, the currently available evidence indicates that the variant is pathogenic, but additional data are needed to prove that conclusively. Therefore, this variant has been classified as Likely Pathogenic.

Literature cited by the submitters: PubMed 25589632; PubMed 23975875; PubMed 27869827; PubMed 32964742.

NM_001267550.2(TTN):c.21014T>G (p.Leu7005Ter)

Genes: TTN (titin; minus strand), LOC126806428 (BRD4-independent group 4 enhancer GRCh37_chr2:179588362-179589561; plus strand). Cytogenetic location: 2q31.2.
Variant type: single nucleotide variant.
Coding change: c.21014T>G on transcript NM_001267550.2 (MANE Select); coding-DNA position 21014, T replaced by G.
Protein change: p.Leu7005Ter; replaces leucine 7005 with a stop codon.
Molecular consequence: nonsense. On other transcripts: intron variant (3).
Genome position (GRCh38, 1-based): chr2:178,724,361, A>C on the plus strand (T>G on the coding strand, the complement: TTN is on the minus strand). VCF-style: chr2-178724361-A-C. GRCh37 (hg19) VCF-style: chr2-179589088-A-C.
Other names: c.20063T>G, p.Leu6688Ter (NM_001256850.1); c.17282T>G, p.Leu5761Ter (NM_133378.4); c.13282+13721T>G (NM_003319.4); c.13858+13721T>G (NM_133437.4); c.13657+13721T>G (NM_133432.3); short protein forms L7005*, L5761*, L6688*.
Identifiers: ClinVar variation 2069443 (VCV002069443.4), dbSNP rs2529622298, ClinGen allele CA349539068.